The following is an entry in ClinVar:

ClinVar aggregate classification (germline): Uncertain significance (1 of 4 stars; one submission).

Conditions:
Familial cancer of breast. Also called: Hereditary breast cancer; hereditary breast carcinoma; BREAST CANCER, FAMILIAL. Identifiers: Orphanet 227535, MedGen C0346153, MONDO:0016419, OMIM 114480. Disease mechanism: loss of function.

gnomAD v4.1: 1 of 1,613,864 alleles (0.000062%); highest among the groups gnomAD compares: South Asian, 0.0011%; no homozygotes.

Submission:

Labcorp Genetics (formerly Invitae), Labcorp
Classification: Uncertain significance for Familial cancer of breast. Last evaluated: 2025-08-06. Review status: criteria provided, single submitter. Criteria: Invitae Variant Classification Sherloc (09022015). Collection method: clinical testing. Allele origin: germline.
Comment: This sequence change replaces asparagine, which is neutral and polar, with histidine, which is basic and polar, at codon 470 of the BARD1 protein (p.Asn470His). This variant is not present in population databases (gnomAD no frequency). This variant has not been reported in the literature in individuals affected with BARD1-related conditions. An algorithm developed to predict the effect of missense changes on protein structure and function (PolyPhen-2) suggests that this variant is likely to be disruptive. In summary, the available evidence is currently insufficient to determine the role of this variant in disease. Therefore, it has been classified as a Variant of Uncertain Significance.

NM_000465.4(BARD1):c.1408A>C (p.Asn470His)

Gene: BARD1 (BRCA1 associated RING domain 1; minus strand). Cytogenetic location: 2q35.
Variant type: single nucleotide variant.
Coding change: c.1408A>C on transcript NM_000465.4 (MANE Select); coding-DNA position 1408, A replaced by C.
Protein change: p.Asn470His; replaces asparagine 470 with histidine.
Molecular consequence: missense variant. On other transcripts: non-coding transcript variant (3), intron variant (3).
Genome position (GRCh38, 1-based): chr2:214,767,642, T>G on the plus strand (A>C on the coding strand, the complement: BARD1 is on the minus strand). VCF-style: chr2-214767642-T-G. GRCh37 (hg19) VCF-style: chr2-215632366-T-G.
Other names: c.1351A>C, p.Asn451His (NM_001282543.2); c.159-15087A>C (NM_001282548.2); c.216-15087A>C (NM_001282545.2); c.364+24655A>C (NM_001282549.2); short protein forms N451H, N470H.
Identifiers: ClinVar variation 4724896 (VCV004724896.1).